The following is an entry in ClinVar:

ClinVar aggregate classification (germline): Uncertain significance (1 of 4 stars; one submission).

Conditions:
Xanthinuria type II. Also called: Xanthine dehydrogenase and aldehyde oxidase combined deficiency of; XDH and AOX dual deficiency. Identifiers: Orphanet 3467, Orphanet 93602, MedGen C1863688, MONDO:0011346, OMIM 603592.

gnomAD v4.1: 1 of 1,614,134 alleles (0.000062%); highest among the groups gnomAD compares: African/African-American, 0.0013%; no homozygotes.

Submission:

Labcorp Genetics (formerly Invitae), Labcorp
Classification: Uncertain significance for Xanthinuria type II. Last evaluated: 2025-10-12. Review status: criteria provided, single submitter. Criteria: Invitae Variant Classification Sherloc (09022015). Collection method: clinical testing. Allele origin: germline.
Comment: This sequence change replaces alanine, which is neutral and non-polar, with serine, which is neutral and polar, at codon 1159 of the XDH protein (p.Ala1159Ser). This variant is not present in population databases (gnomAD no frequency). This variant has not been reported in the literature in individuals affected with XDH-related conditions. An algorithm developed to predict the effect of missense changes on protein structure and function (PolyPhen-2) suggests that this variant is likely to be disruptive. In summary, the available evidence is currently insufficient to determine the role of this variant in disease. Therefore, it has been classified as a Variant of Uncertain Significance.

NM_000379.4(XDH):c.3475G>T (p.Ala1159Ser)

Gene: XDH (xanthine dehydrogenase; minus strand). Cytogenetic location: 2p23.1.
Variant type: single nucleotide variant.
Coding change: c.3475G>T on transcript NM_000379.4 (MANE Select); coding-DNA position 3475, G replaced by T.
Protein change: p.Ala1159Ser; replaces alanine 1159 with serine.
Molecular consequence: missense variant.
Genome position (GRCh38, 1-based): chr2:31,342,227, C>A on the plus strand (G>T on the coding strand, the complement: XDH is on the minus strand). VCF-style: chr2-31342227-C-A. GRCh37 (hg19) VCF-style: chr2-31565093-C-A.
Other names: short protein forms A1159S.
Identifiers: ClinVar variation 4729043 (VCV004729043.1).
Genomic context (GRCh38, chr2:31,342,227, plus strand): 5'-TTTGCAAACTTCTTACCTTATGATCTCCTGTTAGGCAGTCGATTTCTACTTCAGAGCAAG[C>A]CACCCCATAGCTGAAGTAGTGGAAGGGGTTCCCTGAGTTAGTCTCAAAGCTGTAGCCCAG-3'
Protein context (NP_000370.2, residues 1149-1169): NPFHYFSYGV[Ala1159Ser]CSEVEIDCLT